The following is an entry in ClinVar:

NM_006231.4(POLE):c.258del (p.Phe86fs)

Gene: POLE (DNA polymerase epsilon, catalytic subunit; minus strand). Cytogenetic location: 12q24.33.
Variant type: Deletion.
Coding change: c.258del on transcript NM_006231.4 (MANE Select); coding-DNA position 258, one base deleted (T; older notation c.258delT).
Protein change: p.Phe86fs; shifts the reading frame from phenylalanine 86.
Molecular consequence: frameshift variant.
Genome position (GRCh38, 1-based): chr12:132,680,634, A deleted on the plus strand (T on the coding strand, the reverse complement: POLE is on the minus strand); the first of 3 consecutive A bases (chr12:132,680,634-132,680,636); deleting any one gives the same sequence. VCF-style (leftmost placement, unchanged base first): chr12-132680633-TA-T. GRCh37 (hg19) VCF-style: chr12-133257219-TA-T.
Other names: short protein forms F86fs.
Identifiers: ClinVar variation 4825822 (VCV004825822.1).

ClinVar aggregate classification (germline): Uncertain significance (1 of 4 stars; one submission).

Conditions:
Hereditary cancer-predisposing syndrome. Also called: Neoplastic Syndromes, Hereditary; Tumor predisposition; Hereditary Cancer Syndrome; Hereditary neoplastic syndrome. Identifiers: Orphanet 140162, MedGen C0027672, MeSH D009386, MONDO:0015356.

Submission:

Ambry Genetics
Classification: Uncertain significance for Hereditary cancer-predisposing syndrome. Last evaluated: 2026-03-09. Review status: criteria provided, single submitter. Criteria: Ambry Variant Classification Scheme 2023. Collection method: clinical testing. Allele origin: germline.
Comment: The c.258delT variant, located in coding exon 3 of the POLE gene, results from a deletion of one nucleotide at nucleotide position 258, causing a translational frameshift with a predicted alternate stop codon (p.F86Lfs*63). This alteration is expected to result in loss of function by premature protein truncation or nonsense-mediated mRNA decay. Although biallelic loss of function of POLE has been associated with autosomal recessive POLE deficiency, haploinsufficiency of POLE has not been established as a mechanism of disease for POLE-related polymerase proofreading-associated polyposis (PPAP) and POLE-related CMMRD-like syndrome. Based on the supporting evidence, this variant is expected to be causative of POLE deficiency when present along with a second pathogenic variant on the other allele; however, its clinical significance for PPAP and POLE-related CMMRD-like syndrome is unclear.